The following is an entry in ClinVar:

NC_000001.10:g.227150977_227195656del44680

Genes: COQ8A (coenzyme Q8A; plus strand), CDC42BPA (CDC42 binding protein kinase alpha; minus strand), LOC126806036 (BRD4-independent group 4 enhancer GRCh37_chr1:227180293-227181492; plus strand), LOC129932683 (ATAC-STARR-seq lymphoblastoid active region 2676; plus strand), LOC129388764 (MPRA-validated peak738 silencer; plus strand). Cytogenetic location: 1q42.13.
Variant type: Deletion.
Identifiers: ClinVar variation 375332 (VCV000375332.1).

ClinVar aggregate classification (germline): Pathogenic (0 of 4 stars; one submission).

Conditions:
Autosomal recessive ataxia due to ubiquinone deficiency. Also called: Coenzyme Q10 deficiency, primary, 4; SPINOCEREBELLAR ATAXIA, AUTOSOMAL RECESSIVE 9. Identifiers: Orphanet 139485, MedGen C2677589, MONDO:0012784, OMIM 612016.

Submission:

GeneReviews
Classification: Pathogenic for Autosomal recessive ataxia due to ubiquinone deficiency. Last evaluated: 2016-06-07. Review status: no assertion criteria provided. Collection method: literature only. Allele origin: germline.
Comment: Results in 29-kb deletion of exons 3 to 15 from COQ8A.

Literature cited by the submitters: PubMed 24164873.